The following is an entry in ClinVar:

ClinVar aggregate classification (germline): Uncertain significance (1 of 4 stars; one submission).

Allele frequency attached by ClinVar (database versions not stated): gnomAD exomes below 0.00001; ExAC 0.00001.

Submission:

Labcorp Genetics (formerly Invitae), Labcorp
Classification: Uncertain significance. Last evaluated: 2025-03-17. Review status: criteria provided, single submitter. Criteria: Invitae Variant Classification Sherloc (09022015). Collection method: clinical testing. Allele origin: germline.
Comment: This sequence change replaces leucine, which is neutral and non-polar, with isoleucine, which is neutral and non-polar, at codon 2159 of the LRP2 protein (p.Leu2159Ile). This variant is present in population databases (rs746460882, gnomAD 0.006%). This variant has not been reported in the literature in individuals affected with LRP2-related conditions. ClinVar contains an entry for this variant (Variation ID: 2014387). Invitae Evidence Modeling of protein sequence and biophysical properties (such as structural, functional, and spatial information, amino acid conservation, physicochemical variation, residue mobility, and thermodynamic stability) indicates that this missense variant is not expected to disrupt LRP2 protein function with a negative predictive value of 95%. In summary, the available evidence is currently insufficient to determine the role of this variant in disease. Therefore, it has been classified as a Variant of Uncertain Significance.

NM_004525.3(LRP2):c.6475C>A (p.Leu2159Ile)

Gene: LRP2 (LDL receptor related protein 2; minus strand). Cytogenetic location: 2q31.1.
Variant type: single nucleotide variant.
Coding change: c.6475C>A on transcript NM_004525.3 (MANE Select); coding-DNA position 6475, C replaced by A.
Protein change: p.Leu2159Ile; replaces leucine 2159 with isoleucine.
Molecular consequence: missense variant.
Genome position (GRCh38, 1-based): chr2:169,207,245, G>T on the plus strand (C>A on the coding strand, the complement: LRP2 is on the minus strand). VCF-style: chr2-169207245-G-T. GRCh37 (hg19) VCF-style: chr2-170063755-G-T.
Other names: short protein forms L2159I.
Identifiers: ClinVar variation 2014387 (VCV002014387.2), dbSNP rs746460882, ClinGen allele CA1954267.